The following is an entry in ClinVar:

NM_020433.5(JPH2):c.1292C>T (p.Pro431Leu)

Gene: JPH2 (junctophilin 2; minus strand). Cytogenetic location: 20q13.12.
Variant type: single nucleotide variant.
Coding change: c.1292C>T on transcript NM_020433.5 (MANE Select); coding-DNA position 1292, C replaced by T.
Protein change: p.Pro431Leu; replaces proline 431 with leucine.
Molecular consequence: missense variant.
Genome position (GRCh38, 1-based): chr20:44,116,383, G>A on the plus strand (C>T on the coding strand, the complement: JPH2 is on the minus strand). VCF-style: chr20-44116383-G-A. GRCh37 (hg19) VCF-style: chr20-42745023-G-A.
Other names: short protein forms P431L.
Identifiers: ClinVar variation 432736 (VCV000432736.15), dbSNP rs1272859605, ClinGen allele CA409101029.

ClinVar aggregate classification (germline): Conflicting classifications of pathogenicity. Review status: criteria provided, conflicting classifications (1 of 4 stars). 6 submissions from 6 submitters: Uncertain significance (5); Likely benign (1). Last evaluated 2025-09-15.

Conditions:
Cardiomyopathy, dilated, 2E. Identifiers: MedGen C5561970, MONDO:0030366, OMIM 619492.
Hypertrophic cardiomyopathy 17. Identifiers: MedGen C3151264, MONDO:0013474, OMIM 613873.
Cardiovascular phenotype. Identifiers: MedGen CN230736.
Hypertrophic cardiomyopathy. Also called: HYPERTROPHIC MYOCARDIOPATHY. Identifiers: Orphanet 217569, MedGen C0007194, MeSH D002312, MONDO:0005045, HP:0001639.

Allele frequency attached by ClinVar (database versions not stated): gnomAD 0.00001 and 0.00002; gnomAD exomes 0.00003; TOPMed 0.00003.
gnomAD v4.1: 41 of 1,547,504 alleles (0.0026%); highest among the groups gnomAD compares: Admixed American, 0.0078%; no homozygotes.

Submissions (6):

Ambry Genetics
Classification: Likely benign for Cardiovascular phenotype. Last evaluated: 2025-09-15. Review status: criteria provided, single submitter. Criteria: Ambry Variant Classification Scheme 2023. Collection method: clinical testing. Allele origin: germline.

Labcorp Genetics (formerly Invitae), Labcorp
Classification: Uncertain significance for Hypertrophic cardiomyopathy. Last evaluated: 2025-07-09. Review status: criteria provided, single submitter. Criteria: Invitae Variant Classification Sherloc (09022015). Collection method: clinical testing. Allele origin: germline.
Comment: This sequence change replaces proline, which is neutral and non-polar, with leucine, which is neutral and non-polar, at codon 431 of the JPH2 protein (p.Pro431Leu). This variant is not present in population databases (gnomAD no frequency). This variant has not been reported in the literature in individuals affected with JPH2-related conditions. ClinVar contains an entry for this variant (Variation ID: 432736). An algorithm developed to predict the effect of missense changes on protein structure and function (PolyPhen-2) suggests that this variant is likely to be tolerated. In summary, the available evidence is currently insufficient to determine the role of this variant in disease. Therefore, it has been classified as a Variant of Uncertain Significance.

Women's Health and Genetics/Laboratory Corporation of America, LabCorp
Classification: Uncertain significance. Last evaluated: 2024-11-04. Review status: criteria provided, single submitter. Criteria: LabCorp Variant Classification Summary - May 2015. Collection method: clinical testing. Allele origin: germline.
Comment: Variant summary: JPH2 c.1292C>T (p.Pro431Leu) results in a non-conservative amino acid change in the encoded protein sequence. Three of five in-silico tools predict a benign effect of the variant on protein function. The frequency data for this variant in gnomAD is considered unreliable, as metrics indicate poor data quality at this position. To our knowledge, no occurrence of c.1292C>T in individuals affected with Cardiomyopathy and no experimental evidence demonstrating its impact on protein function have been reported. ClinVar contains an entry for this variant (Variation ID: 432736). Based on the evidence outlined above, the variant was classified as uncertain significance.

Fulgent Genetics
Classification: Uncertain significance for Hypertrophic cardiomyopathy 17; Cardiomyopathy, dilated, 2E. Last evaluated: 2021-10-15. Review status: criteria provided, single submitter. Criteria: ACMG Guidelines, 2015. Collection method: clinical testing. Allele origin: unknown.

GeneDx
Classification: Uncertain significance. Last evaluated: 2018-10-07. Review status: criteria provided, single submitter. Criteria: GeneDx Variant Classification (06012015). Collection method: clinical testing. Allele origin: germline. Affected: yes.
Comment: A variant of uncertain significance has been identified in the JPH2 gene. The P431L variant has not been published as pathogenic or been reported as benign to our knowledge. This variant is not observed in large population cohorts (Lek et al., 2016). The P431L variant is a semi-conservative amino acid substitution, which may impact secondary protein structure as these residues differ in some properties. However, in-silico analyses, including protein predictors and evolutionary conservation, support that this variant does not alter protein structure/function.Therefore, based on the currently available information, it is unclear whether this variant is pathogenic or benign.

Breakthrough Genomics
Classification: Uncertain significance. Review status: criteria provided, single submitter. Criteria: ACMG Guidelines, 2015. Collection method: not provided. Allele origin: germline. Inheritance: Autosomal dominant inheritance. Affected: yes.